The following is an entry in ClinVar:

ClinVar aggregate classification (germline): Pathogenic. Review status: criteria provided, multiple submitters, no conflicts (2 of 4 stars). 5 submissions from 5 submitters: Pathogenic (4). 1 of the submissions does not count toward it. Last evaluated 2024-09-29.

Conditions:
Osteogenesis imperfecta with normal sclerae, dominant form (OI4). Also called: OSTEOGENESIS IMPERFECTA, TYPE IV, WITH DENTINOGENESIS IMPERFECTA; OSTEOGENESIS IMPERFECTA WITH NORMAL SCLERAE; Osteogenesis imperfecta type 4; Osteogenesis Imperfecta Type IV; Common Variable Osteogenesis Imperfecta with Normal Sclerae. Identifiers: Orphanet 216820, Orphanet 666, MedGen C0268363, MONDO:0008148, OMIM 166220.
Osteogenesis imperfecta type I (OI1). Also called: OI, TYPE I; OSTEOGENESIS IMPERFECTA TARDA; OSTEOGENESIS IMPERFECTA WITH BLUE SCLERAE; Osteogenesis imperfecta type 1; Lobstein's Disease; Lobstein disease. Identifiers: Orphanet 216796, Orphanet 666, MedGen C0023931, MONDO:0008146, OMIM 166200. Disease mechanism: loss of function.
COL1A1-related disorder. Also called: COL1A1-related condition; COL1A1- related disease.

Submissions (5):

Labcorp Genetics (formerly Invitae), Labcorp
Classification: Pathogenic for Osteogenesis imperfecta type I. Last evaluated: 2024-09-29. Review status: criteria provided, single submitter. Criteria: Invitae Variant Classification Sherloc (09022015). Collection method: clinical testing. Allele origin: germline.
Comment: This sequence change creates a premature translational stop signal (p.Pro376Leufs*165) in the COL1A1 gene. It is expected to result in an absent or disrupted protein product. Loss-of-function variants in COL1A1 are known to be pathogenic (PMID: 7942841, 9295084, 9443882). This variant is not present in population databases (gnomAD no frequency). This premature translational stop signal has been observed in individuals with osteogenesis imperfecta type I (PMID: 8808594). ClinVar contains an entry for this variant (Variation ID: 859292). For these reasons, this variant has been classified as Pathogenic.

Blueprint Genetics
Classification: Pathogenic for COL1A1-related disorders. Last evaluated: 2023-07-20. Review status: criteria provided, single submitter. Criteria: ACMG Guidelines, 2015. Collection method: clinical testing. Allele origin: germline. Affected: yes. Observed: 3 variant alleles.

GeneDx
Classification: Pathogenic. Last evaluated: 2021-05-11. Review status: criteria provided, single submitter. Criteria: GeneDx Variant Classification Process June 2021. Collection method: clinical testing. Allele origin: germline. Affected: yes.
Comment: Frameshift variant predicted to result in protein truncation or nonsense mediated decay in a gene for which loss-of-function is a known mechanism of disease; Not observed in large population cohorts (Lek et al., 2016); This variant is associated with the following publications: (PMID: 8808594, 23729740)

Breda Genetics srl
Classification: Pathogenic for Osteogenesis imperfecta type I. Last evaluated: 2021-02-26. Review status: criteria provided, single submitter. Criteria: ACMG Guidelines, 2015. Collection method: clinical testing. Allele origin: germline. Inheritance: Autosomal dominant inheritance. Affected: yes. Observed: 1 variant allele, 1 heterozygote.
Comment: The variant c.1127delC (p.Pro376Leufs * 165) in the COL1A1 gene is reported as a pathogenic for osteogenesis imperfecta I in ClinVar (Variation ID: 859292). This variant creates a shift in the reading frame which is predicted to result in a premature stop codon 165 amino acids downstream, which is likely to result in a truncated protein or protein loss due to nonsense-mediated messenger decay (NMD). There is no frequency information in the gnomAD or 1000 Genomes Project databases.

Clinical Laboratory Sciences Program (CLSP), King Saud bin Abdulaziz University for Health Sciences (KSAU-HS)
Classification: Pathogenic for Osteogenesis imperfecta with normal sclerae, dominant form. Last evaluated: 2023-04-01. Review status: no assertion criteria provided. Collection method: clinical testing. Allele origin: germline. Affected: yes. Not counted in ClinVar's aggregate classification.

Literature cited by the submitters: PubMed 7942841 (cited by Labcorp Genetics (formerly Invitae), Labcorp); PubMed 9295084 (cited by Labcorp Genetics (formerly Invitae), Labcorp); PubMed 9443882 (cited by Labcorp Genetics (formerly Invitae), Labcorp); PubMed 8808594 (cited by Labcorp Genetics (formerly Invitae), Labcorp).

NM_000088.4(COL1A1):c.1127del (p.Pro376fs)

Gene: COL1A1 (collagen type I alpha 1 chain; minus strand). Cytogenetic location: 17q21.33.
Variant type: Deletion.
Coding change: c.1127del on transcript NM_000088.4 (MANE Select); coding-DNA position 1127, one base deleted (C; older notation c.1127delC).
Protein change: p.Pro376fs; shifts the reading frame from proline 376.
Molecular consequence: frameshift variant.
Genome position (GRCh38, 1-based): chr17:50,195,595, G deleted on the plus strand (C on the coding strand, the reverse complement: COL1A1 is on the minus strand); the first of 6 consecutive G bases (chr17:50,195,595-50,195,600); deleting any one gives the same sequence. VCF-style (leftmost placement, unchanged base first): chr17-50195594-AG-A. GRCh37 (hg19) VCF-style: chr17-48272955-AG-A.
Other names: c.1127delC (NM_000088.3); short protein forms P376fs.
Identifiers: ClinVar variation 859292 (VCV000859292.31), dbSNP rs72645369, ClinGen allele CA291546870.
Genomic context (GRCh38, chr17:50,195,594, plus strand): 5'-TGGCAAAGGGGACACTGAGTCGGGGACACTTACAGCAGGGCCAGCAGCACCAGCAGGGCC[AG>A]GGGGGCCAGGCTCACCACGCACACCCTGGGGACCTTCAGAGCCTCGGGGCCCTTGGGGAC-3'